The following is an entry in ClinVar:

ClinVar aggregate classification (germline): Pathogenic (1 of 4 stars; one submission).

Conditions:
Van der Woude syndrome 1. Also called: van der Woude Syndrome (VWS); CLEFT LIP AND/OR PALATE WITH MUCOUS CYSTS OF LOWER LIP. Identifiers: MedGen C4551864, MONDO:0007333, OMIM 119300.

Submission:

Diagnostics Services (NGS), CSIR - Centre For Cellular And Molecular Biology
Classification: Pathogenic for Van der Woude syndrome 1. Last evaluated: 2024-01-23. Review status: criteria provided, single submitter. Criteria: ACMG Guidelines, 2015. Collection method: clinical testing. Allele origin: unknown. Affected: yes. Observed: 1 variant allele, 1 heterozygote.
Comment: The c.298A>G variant is not present in publicly available population databases like 1000 Genomes, EVS, ExAC, gnomAD, Indian Exome Database or our in-house exome database. This variant has been previously observed in individuals with IRF6-related conditions, published in literature [PMID: 14640121, 14757865, 21045959, 28945736] and reported to the Human Genome Mutation Database (HGMD ID: HM030010). In-silico pathogenicity prediction programs like PolyPhen-2, MutationTaster2, CADD, Varsome, Franklin, etc predicted this variant to be likely deleterious. This variant is located in a mutational hotspot region of the gene.

Literature cited by the submitters: PubMed 14640121; PubMed 14757865; PubMed 21045959; PubMed 28945736.

NM_006147.4(IRF6):c.298A>G (p.Thr100Ala)

Gene: IRF6 (interferon regulatory factor 6; minus strand). Cytogenetic location: 1q32.2.
Variant type: single nucleotide variant.
Coding change: c.298A>G on transcript NM_006147.4 (MANE Select); coding-DNA position 298, A replaced by G.
Protein change: p.Thr100Ala; replaces threonine 100 with alanine.
Molecular consequence: missense variant.
Genome position (GRCh38, 1-based): chr1:209,796,429, T>C on the plus strand (A>G on the coding strand, the complement: IRF6 is on the minus strand). VCF-style: chr1-209796429-T-C. GRCh37 (hg19) VCF-style: chr1-209969774-T-C.
Other names: c.13A>G, p.Thr5Ala (NM_001206696.2); short protein forms T100A, T5A.
Identifiers: ClinVar variation 2687776 (VCV002687776.1), dbSNP rs2464683525, ClinGen allele CA344583067.
Genomic context (GRCh38, chr1:209,796,429, plus strand): 5'-GGGGCTGAGGGATGTCACACACTTGATATATCTTCACTGGGTTCATGGGCACCTCCTTGG[T>C]GCCATCATACATCAGGTTGAATTCTCTGCTCTTATTGAGAGCACAGCGCAGCTGGGCCTT-3'
Protein context (NP_006138.1, residues 90-110): SREFNLMYDG[Thr100Ala]KEVPMNPVKI